The following is an entry in ClinVar:

NM_000217.3(KCNA1):c.1480G>T (p.Asp494Tyr)

Gene: KCNA1 (potassium voltage-gated channel subfamily A member 1; plus strand). Cytogenetic location: 12p13.32.
Variant type: single nucleotide variant.
Coding change: c.1480G>T on transcript NM_000217.3 (MANE Select); coding-DNA position 1480, G replaced by T.
Protein change: p.Asp494Tyr; replaces aspartic acid 494 with tyrosine.
Molecular consequence: missense variant.
Genome position (GRCh38, 1-based): chr12:4,912,858, G>T. VCF-style: chr12-4912858-G-T. GRCh37 (hg19) VCF-style: chr12-5022024-G-T.
Other names: short protein forms D494Y.
Identifiers: ClinVar variation 5009976 (VCV005009976.1).

ClinVar aggregate classification (germline): Uncertain significance (1 of 4 stars; one submission).

Submission:

GeneDx
Classification: Uncertain significance. Last evaluated: 2026-02-12. Review status: criteria provided, single submitter. Criteria: GeneDx Variant Classification Process June 2021. Collection method: clinical testing. Allele origin: germline.
Comment: Not observed at significant frequency in large population cohorts (gnomAD); In silico analysis supports that this missense variant has a deleterious effect on protein structure/function; Has not been previously published as pathogenic or benign to our knowledge